The following is an entry in ClinVar:

ClinVar aggregate classification (germline): Likely pathogenic (1 of 4 stars; one submission).

gnomAD v4.1: 1 of 1,614,134 alleles (0.000062%); highest among the groups gnomAD compares: Non-Finnish European, 0.000085%; no homozygotes.

Submission:

Labcorp Genetics (formerly Invitae), Labcorp
Classification: Likely pathogenic. Last evaluated: 2022-01-13. Review status: criteria provided, single submitter. Criteria: Invitae Variant Classification Sherloc (09022015). Collection method: clinical testing. Allele origin: germline.
Comment: In summary, the currently available evidence indicates that the variant is pathogenic, but additional data are needed to prove that conclusively. Therefore, this variant has been classified as Likely Pathogenic. Algorithms developed to predict the effect of sequence changes on RNA splicing suggest that this variant may disrupt the consensus splice site. This variant has not been reported in the literature in individuals affected with OCA2-related conditions. This variant is not present in population databases (gnomAD no frequency). This sequence change affects an acceptor splice site in intron 8 of the OCA2 gene. It is expected to disrupt RNA splicing. Variants that disrupt the donor or acceptor splice site typically lead to a loss of protein function (PMID: 16199547), and loss-of-function variants in OCA2 are known to be pathogenic (PMID: 19865097, 21541274).

Literature cited by the submitters: PubMed 16199547; PubMed 19865097; PubMed 21541274.

NM_000275.3(OCA2):c.891-2A>G

Gene: OCA2 (OCA2 melanosomal transmembrane protein; minus strand). Cytogenetic location: 15q13.1.
Variant type: single nucleotide variant.
Coding change: c.891-2A>G on transcript NM_000275.3 (MANE Select); the canonical splice acceptor site of the intron before coding-DNA position 891, A replaced by G.
Molecular consequence: splice acceptor variant.
Genome position (GRCh38, 1-based): chr15:28,014,931, T>C on the plus strand (A>G on the coding strand, the complement: OCA2 is on the minus strand). VCF-style: chr15-28014931-T-C. GRCh37 (hg19) VCF-style: chr15-28260077-T-C.
Other names: c.891-2A>G (NM_001300984.2).
Identifiers: ClinVar variation 2082040 (VCV002082040.4), dbSNP rs780713145, ClinGen allele CA391365119.
Genomic context (GRCh38, chr15:28,014,931, plus strand): 5'-AAAGAGGGACAGCCTGGGTCTGCTGCAGGGAGGCCCGGATGCTGATGGACACCGTCTCTC[T>C]GCAGAACGAAACAACGACCTTACTGTTCACAAGGTCAACAGTTAGGGGACCTCCCTCTGT-3'